The following is an entry in ClinVar:

NM_015512.5(DNAH1):c.4995G>A (p.Met1665Ile)

Gene: DNAH1 (dynein axonemal heavy chain 1; plus strand). Cytogenetic location: 3p21.1.
Variant type: single nucleotide variant.
Coding change: c.4995G>A on transcript NM_015512.5 (MANE Select); coding-DNA position 4995, G replaced by A.
Protein change: p.Met1665Ile; replaces methionine 1665 with isoleucine.
Molecular consequence: missense variant.
Genome position (GRCh38, 1-based): chr3:52,362,402, G>A. VCF-style: chr3-52362402-G-A. GRCh37 (hg19) VCF-style: chr3-52396418-G-A.
Other names: short protein forms M1665I.
Identifiers: ClinVar variation 1007088 (VCV001007088.5), dbSNP rs1702900648, ClinGen allele CA353138091.
Genomic context (GRCh38, chr3:52,362,402, plus strand): 5'-GGCTGGGCACCCTAGTCCCAGGCAAGTCAGCCTCTCCCCACTGCAGGTGGAACGCTTCAT[G>A]TTTGAGGGTGTGGAGATCCCACTGGTGCCATCCTGCGCAGTGTTTATCACCATGAACCCG-3'
Protein context (NP_056327.4, residues 1655-1675): KAQQQRVERF[Met1665Ile]FEGVEIPLVP

ClinVar aggregate classification (germline): Uncertain significance (1 of 4 stars; one submission).

Conditions:
Spermatogenic failure 18. Identifiers: MedGen C4539783, MONDO:0054615, OMIM 617576.
Ciliary dyskinesia, primary, 37 (CILD37). Also called: CILIARY DYSKINESIA, PRIMARY, 37, WITH OR WITHOUT SITUS INVERSUS. Identifiers: MedGen C4539798, MONDO:0033204, OMIM 617577.

Submission:

Labcorp Genetics (formerly Invitae), Labcorp
Classification: Uncertain significance for Ciliary dyskinesia, primary, 37; Spermatogenic failure 18. Last evaluated: 2020-02-18. Review status: criteria provided, single submitter. Criteria: Invitae Variant Classification Sherloc (09022015). Collection method: clinical testing. Allele origin: germline.
Comment: This sequence change replaces methionine with isoleucine at codon 1665 of the DNAH1 protein (p.Met1665Ile). The methionine residue is highly conserved and there is a small physicochemical difference between methionine and isoleucine. This variant is not present in population databases (ExAC no frequency). This variant has not been reported in the literature in individuals with DNAH1-related conditions. Algorithms developed to predict the effect of missense changes on protein structure and function (SIFT, PolyPhen-2, Align-GVGD) all suggest that this variant is likely to be tolerated, but these predictions have not been confirmed by published functional studies and their clinical significance is uncertain. In summary, the available evidence is currently insufficient to determine the role of this variant in disease. Therefore, it has been classified as a Variant of Uncertain Significance.